The following is an entry in ClinVar:

ClinVar aggregate classification (germline): Uncertain significance (1 of 4 stars; one submission).

Conditions:
Combined oxidative phosphorylation defect type 14. Also called: Combined oxidative phosphorylation deficiency 14. Identifiers: Orphanet 319519, MedGen C4755312, MONDO:0013986, OMIM 614946.

Allele frequency attached by ClinVar (database versions not stated): gnomAD exomes below 0.00001; TOPMed below 0.00001.
gnomAD v4.1: 6 of 1,600,254 alleles (0.00037%); highest among the groups gnomAD compares: Non-Finnish European, 0.00051%; no homozygotes.

Submission:

Labcorp Genetics (formerly Invitae), Labcorp
Classification: Uncertain significance for Combined oxidative phosphorylation defect type 14. Last evaluated: 2022-08-09. Review status: criteria provided, single submitter. Criteria: Invitae Variant Classification Sherloc (09022015). Collection method: clinical testing. Allele origin: germline.
Comment: ClinVar contains an entry for this variant (Variation ID: 1471886). This variant has not been reported in the literature in individuals affected with FARS2-related conditions. This variant is present in population databases (no rsID available, gnomAD 0.0009%). This sequence change replaces isoleucine, which is neutral and non-polar, with threonine, which is neutral and polar, at codon 209 of the FARS2 protein (p.Ile209Thr). Advanced modeling of protein sequence and biophysical properties (such as structural, functional, and spatial information, amino acid conservation, physicochemical variation, residue mobility, and thermodynamic stability) performed at Invitae indicates that this missense variant is not expected to disrupt FARS2 protein function. In summary, the available evidence is currently insufficient to determine the role of this variant in disease. Therefore, it has been classified as a Variant of Uncertain Significance.

NM_006567.5(FARS2):c.626T>C (p.Ile209Thr)

Gene: FARS2 (phenylalanyl-tRNA synthetase 2, mitochondrial; plus strand). Cytogenetic location: 6p25.1.
Variant type: single nucleotide variant.
Coding change: c.626T>C on transcript NM_006567.5 (MANE Select); coding-DNA position 626, T replaced by C.
Protein change: p.Ile209Thr; replaces isoleucine 209 with threonine.
Molecular consequence: missense variant. On other transcripts: 5 prime UTR variant (2).
Genome position (GRCh38, 1-based): chr6:5,404,555, T>C. VCF-style: chr6-5404555-T-C. GRCh37 (hg19) VCF-style: chr6-5404788-T-C.
Other names: c.626T>C, p.Ile209Thr (NM_001318872.2, NM_001374875.1, NM_001374876.1 and 5 more transcripts); c.-71T>C (NM_001375259.1, NM_001375260.1); short protein forms I209T.
Identifiers: ClinVar variation 1471886 (VCV001471886.6), dbSNP rs1270173250, ClinGen allele CA362735702.
Genomic context (GRCh38, chr6:5,404,555, plus strand): 5'-ATGGGCCAGGATATTTTCTTTATTTATACTTTCCTGTTGGTTTACAGTTATTTGCTGGTA[T>C]AAAGGATGGAGAAAGCCTGCAGCTCTTTGAACAAAGTTCTCGCTCTGCGCATAAACAAGA-3'
Protein context (NP_006558.1, residues 199-219): LFSKHELFAG[Ile209Thr]KDGESLQLFE